The following is an entry in ClinVar:

NM_001242896.3(DEPDC5):c.2690C>T (p.Ser897Leu)

Gene: DEPDC5 (DEP domain containing 5, GATOR1 subcomplex subunit; plus strand). Cytogenetic location: 22q12.3.
Variant type: single nucleotide variant.
Coding change: c.2690C>T on transcript NM_001242896.3 (MANE Select); coding-DNA position 2690, C replaced by T.
Protein change: p.Ser897Leu; replaces serine 897 with leucine.
Molecular consequence: missense variant. On other transcripts: non-coding transcript variant (5).
Genome position (GRCh38, 1-based): chr22:31,843,701, C>T. VCF-style: chr22-31843701-C-T. GRCh37 (hg19) VCF-style: chr22-32239687-C-T.
Other names: c.2663C>T, p.Ser888Leu (NM_001136029.4, NM_001369903.1, NM_014662.6); c.2456C>T, p.Ser819Leu (NM_001242897.2, NM_001363854.2, NM_001364319.2); c.2690C>T, p.Ser897Leu (NM_001363852.2, NM_001364318.2, NM_001364320.2); c.2606C>T, p.Ser869Leu (NM_001369901.1, NM_001369902.1); short protein forms S869L, S897L, S819L, S888L.
Identifiers: ClinVar variation 645471 (VCV000645471.11), dbSNP rs371496533, ClinGen allele CA10196779.

ClinVar aggregate classification (germline): Uncertain significance. Review status: criteria provided, multiple submitters, no conflicts (2 of 4 stars). 2 submissions from 2 submitters: Uncertain significance (2). Last evaluated 2025-09-24.

Conditions:
Familial focal epilepsy with variable foci (FPEVF). Identifiers: Orphanet 98820, MedGen C1858477, MONDO:0020310.
Epilepsy. Also called: Seizure disorder. Identifiers: MedGen C0014544, MeSH D004827, MONDO:0005027.

Allele frequency attached by ClinVar (database versions not stated): gnomAD exomes 0.00001 and 0.00003; gnomAD 0.00002 and 0.00001; ExAC 0.00001; TOPMed 0.00003; ESP Exome Variant Server 0.00017.
gnomAD v4.1: 51 of 1,614,026 alleles (0.0032%); highest among the groups gnomAD compares: Non-Finnish European, 0.0042%; no homozygotes.

Submissions (2):

Labcorp Genetics (formerly Invitae), Labcorp
Classification: Uncertain significance for Familial focal epilepsy with variable foci. Last evaluated: 2025-09-24. Review status: criteria provided, single submitter. Criteria: Invitae Variant Classification Sherloc (09022015). Collection method: clinical testing. Allele origin: germline.
Comment: This sequence change replaces serine, which is neutral and polar, with leucine, which is neutral and non-polar, at codon 897 of the DEPDC5 protein (p.Ser897Leu). This variant is present in population databases (rs371496533, gnomAD 0.003%). This variant has not been reported in the literature in individuals affected with DEPDC5-related conditions. ClinVar contains an entry for this variant (Variation ID: 645471). Experimental studies and prediction algorithms are not available or were not evaluated, and the functional significance of this variant is currently unknown. In summary, the available evidence is currently insufficient to determine the role of this variant in disease. Therefore, it has been classified as a Variant of Uncertain Significance.

Cambridge Genomics Laboratory, East Genomic Laboratory Hub, NHS Genomic Medicine Service
Classification: Uncertain significance for Epilepsy. Last evaluated: 2020-05-27. Review status: criteria provided, single submitter. Criteria: ACGS Best Practice Guidelines for Variant Classification in Rare Disease 2020. Collection method: clinical testing. Allele origin: germline. Affected: yes. Observed: 1 variant allele.